The following is an entry in ClinVar:

ClinVar aggregate classification (germline): Pathogenic (1 of 4 stars; one submission).

Conditions:
NF1-related disorder. Also called: NF1-related condition. Identifiers: MedGen CN379171.

Submission:

PreventionGenetics, part of Exact Sciences
Classification: Pathogenic for NF1-related condition. Last evaluated: 2023-05-10. Review status: criteria provided, single submitter. Criteria: ACMG Guidelines, 2015. Collection method: clinical testing. Allele origin: germline.
Comment: The NF1 c.755dupT variant is predicted to result in a frameshift and premature protein termination (p.Leu252Phefs*7). To our knowledge, this variant has not been reported in the literature or in a large population database, indicating this variant is rare. Frameshift variants in NF1 are expected to be pathogenic. This variant is interpreted as pathogenic.

NM_001042492.3(NF1):c.755dup (p.Leu252fs)

Gene: NF1 (neurofibromin 1; plus strand). Cytogenetic location: 17q11.2.
Variant type: Duplication.
Coding change: c.755dup on transcript NM_001042492.3 (MANE Select); coding-DNA position 755, one base duplicated (T; older notation c.755dupT).
Protein change: p.Leu252fs; shifts the reading frame from leucine 252.
Molecular consequence: frameshift variant.
Genome position (GRCh38, 1-based): chr17:31,182,532, T duplicated; the last of 2 consecutive T bases (chr17:31,182,531-31,182,532); duplicating either gives the same sequence. VCF-style (leftmost placement, unchanged base first): chr17-31182530-C-CT. GRCh37 (hg19) VCF-style: chr17-29509548-C-CT.
Other names: c.755dupT (NM_001042492.2); c.755dup, p.Leu252Phefs (NM_000267.4); c.755dup, p.Leu252fs (NM_001128147.3); short protein forms L252fs.
Identifiers: ClinVar variation 2632989 (VCV002632989.1), dbSNP rs2544753242, ClinGen allele CA2695201289.
Genomic context (GRCh38, chr17:31,182,530, plus strand): 5'-CCTATCTAATAATGTCATTTAATATATTTTTCATGCAGAATGTGCAGAAAAGCTATTTGA[C>CT]TTGGTGGATGGTTTTGCTGAAAGCACCAAACGTAAAGCAGCAGTTTGGCCACTACAAATC-3'